The following is an entry in ClinVar:

NM_017534.6(MYH2):c.2378G>A (p.Arg793Gln)

Genes: MYH2 (myosin heavy chain 2; minus strand), MYHAS (myosin heavy chain gene cluster antisense RNA; plus strand). Cytogenetic location: 17p13.1.
Variant type: single nucleotide variant.
Coding change: c.2378G>A on transcript NM_017534.6 (MANE Select); coding-DNA position 2378, G replaced by A.
Protein change: p.Arg793Gln; replaces arginine 793 with glutamine.
Molecular consequence: missense variant.
Genome position (GRCh38, 1-based): chr17:10,533,348, C>T on the plus strand (G>A on the coding strand, the complement: MYH2 is on the minus strand). VCF-style: chr17-10533348-C-T. GRCh37 (hg19) VCF-style: chr17-10436665-C-T.
Other names: c.2378G>A, p.Arg793Gln (NM_001100112.2); short protein forms R793Q.
Identifiers: ClinVar variation 449295 (VCV000449295.10), dbSNP rs578188627, ClinGen allele CA8391143.

ClinVar aggregate classification (germline): Uncertain significance. Review status: criteria provided, multiple submitters, no conflicts (2 of 4 stars). 2 submissions from 2 submitters: Uncertain significance (2). Last evaluated 2025-03-21.

Conditions:
Myopathy, proximal, and ophthalmoplegia (CMYO6). Also called: MYOPATHY WITH CONGENITAL JOINT CONTRACTURES, OPHTHALMOPLEGIA, AND RIMMED VACUOLES; INCLUSION BODY MYOPATHY 3, AUTOSOMAL DOMINANT; CONGENITAL MYOPATHY 6 WITH OPHTHALMOPLEGIA. Identifiers: Orphanet 363677, Orphanet 79091, MedGen C1854106, MONDO:0011577, OMIM 605637.

Allele frequency attached by ClinVar (database versions not stated): gnomAD exomes 0.00002 and 0.00007; gnomAD 0.00003; ExAC 0.00005; TOPMed 0.00005; 1000 Genomes Project 30x 0.00016; 1000 Genomes Project 0.00020.
gnomAD v4.1: 42 of 1,614,202 alleles (0.0026%); highest among the groups gnomAD compares: East Asian, 0.033%; no homozygotes.

Submissions (2):

GeneDx
Classification: Uncertain significance. Last evaluated: 2025-03-21. Review status: criteria provided, single submitter. Criteria: GeneDx Variant Classification Process June 2021. Collection method: clinical testing. Allele origin: germline. Affected: yes.
Comment: In silico analysis indicates that this missense variant does not alter protein structure/function; Has not been previously published as pathogenic or benign to our knowledge

Labcorp Genetics (formerly Invitae), Labcorp
Classification: Uncertain significance for Myopathy, proximal, and ophthalmoplegia. Last evaluated: 2024-08-12. Review status: criteria provided, single submitter. Criteria: Invitae Variant Classification Sherloc (09022015). Collection method: clinical testing. Allele origin: germline.
Comment: This sequence change replaces arginine, which is basic and polar, with glutamine, which is neutral and polar, at codon 793 of the MYH2 protein (p.Arg793Gln). This variant is present in population databases (rs578188627, gnomAD 0.07%). This variant has not been reported in the literature in individuals affected with MYH2-related conditions. ClinVar contains an entry for this variant (Variation ID: 449295). Advanced modeling of protein sequence and biophysical properties (such as structural, functional, and spatial information, amino acid conservation, physicochemical variation, residue mobility, and thermodynamic stability) performed at Invitae indicates that this missense variant is not expected to disrupt MYH2 protein function with a negative predictive value of 80%. In summary, the available evidence is currently insufficient to determine the role of this variant in disease. Therefore, it has been classified as a Variant of Uncertain Significance.